The following is an entry in ClinVar:

ClinVar aggregate classification (germline): Uncertain significance (1 of 4 stars; one submission).

Conditions:
Granulomatous disease, chronic, autosomal recessive, cytochrome b-positive, type 2. Also called: Chronic Granulomatous Disease, Autosomal Recessive, Cytochrome b-Positive, Type II; CGD, AUTOSOMAL RECESSIVE CYTOCHROME b-POSITIVE, TYPE II; GRANULOMATOUS DISEASE, CHRONIC, DUE TO NCF2 DEFICIENCY; GRANULOMATOUS DISEASE, CHRONIC, AUTOSOMAL RECESSIVE, 2; Chronic granulomatous disease due to deficiency of NCF-2. Identifiers: Orphanet 379, MedGen C1856245, MONDO:0009310, OMIM 233710.

Allele frequency attached by ClinVar (database versions not stated): gnomAD exomes below 0.00001.
gnomAD v4.1: 1 of 1,614,120 alleles (0.000062%); highest among the groups gnomAD compares: Non-Finnish European, 0.000085%; no homozygotes.

Submission:

Labcorp Genetics (formerly Invitae), Labcorp
Classification: Uncertain significance for Granulomatous disease, chronic, autosomal recessive, cytochrome b-positive, type 2. Last evaluated: 2021-09-01. Review status: criteria provided, single submitter. Criteria: Invitae Variant Classification Sherloc (09022015). Collection method: clinical testing. Allele origin: germline.
Comment: This sequence change replaces alanine with valine at codon 515 of the NCF2 protein (p.Ala515Val). The alanine residue is moderately conserved and there is a small physicochemical difference between alanine and valine. This variant is not present in population databases (ExAC no frequency). This variant has not been reported in the literature in individuals affected with NCF2-related conditions. Algorithms developed to predict the effect of missense changes on protein structure and function (SIFT, PolyPhen-2, Align-GVGD) all suggest that this variant is likely to be tolerated. Algorithms developed to predict the effect of sequence changes on RNA splicing suggest that this variant may create or strengthen a splice site. In summary, the available evidence is currently insufficient to determine the role of this variant in disease. Therefore, it has been classified as a Variant of Uncertain Significance.

NM_000433.4(NCF2):c.1544C>T (p.Ala515Val)

Gene: NCF2 (neutrophil cytosolic factor 2; minus strand). Cytogenetic location: 1q25.3.
Variant type: single nucleotide variant.
Coding change: c.1544C>T on transcript NM_000433.4 (MANE Select); coding-DNA position 1544, C replaced by T.
Protein change: p.Ala515Val; replaces alanine 515 with valine.
Molecular consequence: missense variant.
Genome position (GRCh38, 1-based): chr1:183,556,155, G>A on the plus strand (C>T on the coding strand, the complement: NCF2 is on the minus strand). VCF-style: chr1-183556155-G-A. GRCh37 (hg19) VCF-style: chr1-183525290-G-A.
Other names: c.1544C>T, p.Ala515Val (NM_001127651.3); c.1301C>T, p.Ala434Val (NM_001190789.2); c.1409C>T, p.Ala470Val (NM_001190794.2); short protein forms A470V, A515V, A434V.
Identifiers: ClinVar variation 1387663 (VCV001387663.5), dbSNP rs1391418738, ClinGen allele CA343703305.